The following is an entry in ClinVar:

NM_000271.5(NPC1):c.2383_2384del (p.Leu795fs)

Gene: NPC1 (NPC intracellular cholesterol transporter 1; minus strand). Cytogenetic location: 18q11.2.
Variant type: Deletion.
Coding change: c.2383_2384del on transcript NM_000271.5 (MANE Select); coding-DNA positions 2383 to 2384, 2 bases deleted (CT; older notation c.2383_2384delCT).
Protein change: p.Leu795fs; shifts the reading frame from leucine 795.
Molecular consequence: frameshift variant.
Genome position (GRCh38, 1-based): chr18:23,541,198-23,541,199, AG deleted on the plus strand (CT on the coding strand, the reverse complement: NPC1 is on the minus strand). VCF-style (leftmost placement, unchanged base first): chr18-23541197-TAG-T. GRCh37 (hg19) VCF-style: chr18-21121161-TAG-T.
Other names: short protein forms L795fs.
Identifiers: ClinVar variation 1725792 (VCV001725792.2), dbSNP rs2511221794, ClinGen allele CA2580095549.

ClinVar aggregate classification (germline): Likely pathogenic (1 of 4 stars; one submission).

Conditions:
Niemann-Pick disease, type C1. Also called: NEUROVISCERAL STORAGE DISEASE WITH VERTICAL SUPRANUCLEAR OPHTHALMOPLEGIA; NIEMANN-PICK DISEASE WITH CHOLESTEROL ESTERIFICATION BLOCK; NIEMANN-PICK DISEASE WITHOUT SPHINGOMYELINASE DEFICIENCY; NIEMANN-PICK DISEASE, CHRONIC NEURONOPATHIC FORM; NIEMANN-PICK DISEASE, VARIANT TYPE C1. Identifiers: Orphanet 646, MedGen C3179455, MONDO:0009757, OMIM 257220.

Submission:

Myriad Genetics, Inc.
Classification: Likely pathogenic for Niemann-Pick disease, type C1. Last evaluated: 2022-04-01. Review status: criteria provided, single submitter. Criteria: Myriad Women's Health Autosomal Recessive and X-Linked Classification Criteria (2021). Collection method: clinical testing. Allele origin: unknown.
Comment: NM_000271.4(NPC1):c.2383_2384delCT(L795Rfs*10) is expected to be pathogenic in the context of Niemann-Pick disease type C1. This variant is predicted to lead to an abnormal or absent protein product due to the creation of a premature termination codon in NPC1, a gene where loss-of-function variants are known to be pathogenic. Please note: this variant was assessed in the context of healthy population screening.